The following is an entry in ClinVar:

NM_015557.3(CHD5):c.5721C>T (p.Ala1907=)

Gene: CHD5 (chromodomain helicase DNA binding protein 5; minus strand). Cytogenetic location: 1p36.31.
Variant type: single nucleotide variant.
Coding change: c.5721C>T on transcript NM_015557.3 (MANE Select); coding-DNA position 5721, C replaced by T.
Protein change: p.Ala1907=; no amino-acid change (alanine 1907 retained).
Molecular consequence: synonymous variant.
Genome position (GRCh38, 1-based): chr1:6,106,637, G>A on the plus strand (C>T on the coding strand, the complement: CHD5 is on the minus strand). VCF-style: chr1-6106637-G-A. GRCh37 (hg19) VCF-style: chr1-6166697-G-A.
Identifiers: ClinVar variation 4280833 (VCV004280833.7).

ClinVar aggregate classification (germline): Likely benign (1 of 4 stars; one submission).

gnomAD v4.1: 30 of 1,590,032 alleles (0.0019%); highest among the groups gnomAD compares: Admixed American, 0.011%; no homozygotes.

Submission:

CeGaT Center for Human Genetics Tuebingen
Classification: Likely benign. Last evaluated: 2026-03-01. Review status: criteria provided, single submitter. Criteria: CeGaT Center For Human Genetics Tuebingen Variant Classification Criteria Version 2. Collection method: clinical testing. Allele origin: germline. Affected: yes. Observed: 2 variant alleles.
Comment: CHD5: BP4, BP7